The following is an entry in ClinVar:

NM_194248.3(OTOF):c.5023C>A (p.Pro1675Thr)

Genes: OTOF (otoferlin; minus strand), LOC112840921 (BRD4-independent group 4 enhancer GRCh37_chr2:26685720-26686919; plus strand). Cytogenetic location: 2p23.3.
Variant type: single nucleotide variant.
Coding change: c.5023C>A on transcript NM_194248.3 (MANE Select); coding-DNA position 5023, C replaced by A.
Protein change: p.Pro1675Thr; replaces proline 1675 with threonine.
Molecular consequence: missense variant.
Genome position (GRCh38, 1-based): chr2:26,464,044, G>T on the plus strand (C>A on the coding strand, the complement: OTOF is on the minus strand). VCF-style: chr2-26464044-G-T. GRCh37 (hg19) VCF-style: chr2-26686912-G-T.
Other names: c.5023C>A, p.Pro1675Thr (NM_001287489.2); c.2722C>A, p.Pro908Thr (NM_004802.4, NM_194323.3); c.2953C>A, p.Pro985Thr (NM_194322.3); short protein forms P985T, P1675T, P908T.
Identifiers: ClinVar variation 2061400 (VCV002061400.1), dbSNP rs537308782, ClinGen allele CA1562958.

ClinVar aggregate classification (germline): Uncertain significance (1 of 4 stars; one submission).

Allele frequency attached by ClinVar (database versions not stated): ExAC 0.00002; gnomAD 0.00003; 1000 Genomes Project 0.00020; 1000 Genomes Project 30x 0.00031.
gnomAD v4.1: 72 of 1,613,740 alleles (0.0045%); highest among the groups gnomAD compares: Admixed American, 0.0083%; no homozygotes.

Submission:

Labcorp Genetics (formerly Invitae), Labcorp
Classification: Uncertain significance. Last evaluated: 2022-08-07. Review status: criteria provided, single submitter. Criteria: Invitae Variant Classification Sherloc (09022015). Collection method: clinical testing. Allele origin: germline.
Comment: This sequence change replaces proline, which is neutral and non-polar, with threonine, which is neutral and polar, at codon 1675 of the OTOF protein (p.Pro1675Thr). This variant is present in population databases (rs537308782, gnomAD 0.006%). This variant has not been reported in the literature in individuals affected with OTOF-related conditions. Algorithms developed to predict the effect of missense changes on protein structure and function (SIFT, PolyPhen-2, Align-GVGD) all suggest that this variant is likely to be disruptive. In summary, the available evidence is currently insufficient to determine the role of this variant in disease. Therefore, it has been classified as a Variant of Uncertain Significance.